The following is an entry in ClinVar:

NM_000257.4(MYH7):c.5790+2del

Gene: MYH7 (myosin heavy chain 7; minus strand). Cytogenetic location: 14q11.2.
Variant type: Deletion.
Coding change: c.5790+2del on transcript NM_000257.4 (MANE Select); the canonical splice donor site of the intron after coding-DNA position 5790, one base deleted (T; older notation c.5790+2delT).
Molecular consequence: splice donor variant.
Genome position (GRCh38, 1-based): chr14:23,413,757, A deleted on the plus strand (T on the coding strand, the reverse complement: MYH7 is on the minus strand). VCF-style (leftmost placement, unchanged base first): chr14-23413756-CA-C. GRCh37 (hg19) VCF-style: chr14-23882965-CA-C.
Other names: c.5790+2del (NM_001407004.1).
Identifiers: ClinVar variation 2702266 (VCV002702266.3), dbSNP rs2502232665, ClinGen allele CA2697553891.

ClinVar aggregate classification (germline): Pathogenic (1 of 4 stars; one submission).

Conditions:
Hypertrophic cardiomyopathy. Also called: HYPERTROPHIC MYOCARDIOPATHY. Identifiers: Orphanet 217569, MedGen C0007194, MeSH D002312, MONDO:0005045, HP:0001639.

Submission:

Labcorp Genetics (formerly Invitae), Labcorp
Classification: Pathogenic for Hypertrophic cardiomyopathy. Last evaluated: 2024-04-15. Review status: criteria provided, single submitter. Criteria: Invitae Variant Classification Sherloc (09022015). Collection method: clinical testing. Allele origin: germline.
Comment: This sequence change falls in intron 39 of the MYH7 gene. It does not directly change the encoded amino acid sequence of the MYH7 protein. It affects a nucleotide within the consensus splice site. This variant is not present in population databases (gnomAD no frequency). This variant has been observed in individual(s) with MYH7-related conditions (Invitae). In at least one individual the variant was observed to be de novo. Variants that disrupt the consensus splice site are a relatively common cause of aberrant splicing (PMID: 17576681, 9536098). Algorithms developed to predict the effect of sequence changes on RNA splicing suggest that this variant may disrupt the consensus splice site. For these reasons, this variant has been classified as Pathogenic.

Literature cited by the submitters: PubMed 17576681; PubMed 9536098.